The following is an entry in ClinVar:

NM_145046.5(CALR3):c.169T>C (p.Tyr57His)

Gene: CALR3 (calreticulin 3; minus strand). Cytogenetic location: 19p13.11.
Variant type: single nucleotide variant.
Coding change: c.169T>C on transcript NM_145046.5 (MANE Select); coding-DNA position 169, T replaced by C.
Protein change: p.Tyr57His; replaces tyrosine 57 with histidine.
Molecular consequence: missense variant.
Genome position (GRCh38, 1-based): chr19:16,495,775, A>G on the plus strand (T>C on the coding strand, the complement: CALR3 is on the minus strand). VCF-style: chr19-16495775-A-G. GRCh37 (hg19) VCF-style: chr19-16606586-A-G.
Other names: short protein forms Y57H.
Identifiers: ClinVar variation 4218385 (VCV004218385.3).

ClinVar aggregate classification (germline): Uncertain significance. Review status: criteria provided, multiple submitters, no conflicts (2 of 4 stars). 3 submissions from 3 submitters: Uncertain significance (3). Last evaluated 2025-11-05.

Conditions:
Hypertrophic cardiomyopathy 19. Also called: Familial hypertrophic cardiomyopathy 19. Identifiers: MedGen CN077603, MONDO:0013476.

gnomAD v4.1: 4 of 1,613,896 alleles (0.00025%); highest among the groups gnomAD compares: African/African-American, 0.0053%; no homozygotes.

Submissions (3):

Labcorp Genetics (formerly Invitae), Labcorp
Classification: Uncertain significance for Hypertrophic cardiomyopathy 19. Last evaluated: 2025-11-05. Review status: criteria provided, single submitter. Criteria: Invitae Variant Classification Sherloc (09022015). Collection method: clinical testing. Allele origin: germline.
Comment: This sequence change replaces tyrosine, which is neutral and polar, with histidine, which is basic and polar, at codon 57 of the CALR3 protein (p.Tyr57His). This variant is present in population databases (rs368523051, gnomAD 0.01%). This variant has not been reported in the literature in individuals affected with CALR3-related conditions. ClinVar contains an entry for this variant (Variation ID: 4218385). Invitae Evidence Modeling of protein sequence and biophysical properties (such as structural, functional, and spatial information, amino acid conservation, physicochemical variation, residue mobility, and thermodynamic stability) indicates that this missense variant is not expected to disrupt CALR3 protein function with a negative predictive value of 80%. In summary, the available evidence is currently insufficient to determine the role of this variant in disease. Therefore, it has been classified as a Variant of Uncertain Significance.

Ambry Genetics
Classification: Uncertain significance. Last evaluated: 2025-08-22. Review status: criteria provided, single submitter. Criteria: Ambry Variant Classification Scheme 2023. Collection method: clinical testing. Allele origin: germline.

Blueprint Genetics
Classification: Uncertain significance. Last evaluated: 2024-08-06. Review status: criteria provided, single submitter. Criteria: ACMG Guidelines, 2015. Collection method: clinical testing. Allele origin: germline.